The following is an entry in ClinVar:

NM_022124.6(CDH23):c.1A>T (p.Met1Leu)

Gene: CDH23 (cadherin related 23; plus strand). Cytogenetic location: 10q22.1.
Variant type: single nucleotide variant.
Coding change: c.1A>T on transcript NM_022124.6 (MANE Select); coding-DNA position 1, A replaced by T.
Protein change: p.Met1Leu; changes the start codon (methionine 1).
Molecular consequence: missense variant, initiator codon variant.
Genome position (GRCh38, 1-based): chr10:71,439,832, A>T. VCF-style: chr10-71439832-A-T. GRCh37 (hg19) VCF-style: chr10-73199589-A-T.
Other names: c.1A>T, p.Met1Leu (NM_001171930.2, NM_001171931.2, NM_001171932.2 and 1 more transcripts); short protein forms M1L.
Identifiers: ClinVar variation 1938116 (VCV001938116.4), dbSNP rs1298721050, ClinGen allele CA377112492.

ClinVar aggregate classification (germline): Uncertain significance. Review status: criteria provided, multiple submitters, no conflicts (2 of 4 stars). 2 submissions from 2 submitters: Uncertain significance (2). Last evaluated 2025-05-05.

Submissions (2):

Women's Health and Genetics/Laboratory Corporation of America, LabCorp
Classification: Uncertain significance. Last evaluated: 2025-05-05. Review status: criteria provided, single submitter. Criteria: LabCorp Variant Classification Summary - May 2015. Collection method: clinical testing. Allele origin: germline.
Comment: Variant summary: CDH23 c.1A>T (p.Met1Leu) alters the initiation codon and is predicted to result either in absence of the protein or truncation of the encoded protein due to translation initiation at a downstream codon.The next downstream in-frame methionine is located at codon p.Met60. No other start codon variants, nor missense/in-frame variants before Met60 have been associated with disease. The variant was absent in 172822 control chromosomes. The available data on variant occurrences in the general population are insufficient to allow any conclusion about variant significance. To our knowledge, no occurrence of c.1A>T in individuals affected with Usher Syndrome and no experimental evidence demonstrating its impact on protein function have been reported. ClinVar contains an entry for this variant (Variation ID: 1938116). Based on the evidence outlined above, the variant was classified as uncertain significance.

Labcorp Genetics (formerly Invitae), Labcorp
Classification: Uncertain significance. Last evaluated: 2021-09-04. Review status: criteria provided, single submitter. Criteria: Invitae Variant Classification Sherloc (09022015). Collection method: clinical testing. Allele origin: germline.
Comment: This sequence change affects the initiator methionine of the CDH23 mRNA. The next in-frame methionine is located at codon p.Met60. This variant is not present in population databases (ExAC no frequency). This variant has not been reported in the literature in individuals with CDH23-related conditions. Experimental studies and prediction algorithms are not available or were not evaluated, and the functional significance of this variant is currently unknown. This variant disrupts the initiator methionine in CDH23. If translation initiates from the next in-frame methionine, the CDH23 protein would no longer include the region containing the p.Glu44 amino acid residue. Other variant(s) that disrupt this residue have been observed in individuals with CDH23-related conditions (PMID: 30774966), which suggests that this residue is clinically significant, and that variants that disrupt this residue are likely to be disease-causing. In summary, the available evidence is currently insufficient to determine the role of this variant in disease. Therefore, it has been classified as a Variant of Uncertain Significance.

Literature cited by the submitters: PubMed 30774966 (cited by Labcorp Genetics (formerly Invitae), Labcorp).